The following is an entry in ClinVar:

ClinVar aggregate classification (germline): Uncertain significance. Review status: criteria provided, multiple submitters, no conflicts (2 of 4 stars). 2 submissions from 2 submitters: Uncertain significance (2). Last evaluated 2026-01-26.

Allele frequency attached by ClinVar (database versions not stated): gnomAD 0.00006; TOPMed 0.00010.
gnomAD v4.1: 83 of 1,613,842 alleles (0.0051%); highest among the groups gnomAD compares: Admixed American, 0.017%; no homozygotes.

Submissions (2):

Labcorp Genetics (formerly Invitae), Labcorp
Classification: Uncertain significance. Last evaluated: 2026-01-26. Review status: criteria provided, single submitter. Criteria: Invitae Variant Classification Sherloc (09022015). Collection method: clinical testing. Allele origin: germline.
Comment: This sequence change replaces lysine, which is basic and polar, with threonine, which is neutral and polar, at codon 329 of the GNAT1 protein (p.Lys329Thr). This variant is present in population databases (rs202170742, gnomAD 0.2%). This variant has not been reported in the literature in individuals affected with GNAT1-related conditions. ClinVar contains an entry for this variant (Variation ID: 857389). Invitae Evidence Modeling of protein sequence and biophysical properties (such as structural, functional, and spatial information, amino acid conservation, physicochemical variation, residue mobility, and thermodynamic stability) indicates that this missense variant is not expected to disrupt GNAT1 protein function with a negative predictive value of 80%. In summary, the available evidence is currently insufficient to determine the role of this variant in disease. Therefore, it has been classified as a Variant of Uncertain Significance.

Blueprint Genetics
Classification: Uncertain significance. Last evaluated: 2024-08-08. Review status: criteria provided, single submitter. Criteria: ACMG Guidelines, 2015. Collection method: clinical testing. Allele origin: germline.

NM_144499.3(GNAT1):c.986A>C (p.Lys329Thr)

Gene: GNAT1 (G protein subunit alpha transducin 1; plus strand). Cytogenetic location: 3p21.31.
Variant type: single nucleotide variant.
Coding change: c.986A>C on transcript NM_144499.3 (MANE Select); coding-DNA position 986, A replaced by C.
Protein change: p.Lys329Thr; replaces lysine 329 with threonine.
Molecular consequence: missense variant.
Genome position (GRCh38, 1-based): chr3:50,194,888, A>C. VCF-style: chr3-50194888-A-C. GRCh37 (hg19) VCF-style: chr3-50232321-A-C.
Other names: c.986A>C, p.Lys329Thr (NM_000172.4); short protein forms K329T.
Identifiers: ClinVar variation 857389 (VCV000857389.7), dbSNP rs202170742, ClinGen allele CA2412786.